The following is an entry in ClinVar:

ClinVar aggregate classification (germline): Uncertain significance. Review status: criteria provided, multiple submitters, no conflicts (2 of 4 stars). 2 submissions from 2 submitters: Uncertain significance (2). Last evaluated 2023-12-16.

Conditions:
Inborn genetic diseases. Identifiers: MedGen C0950123, MeSH D030342.

Allele frequency attached by ClinVar (database versions not stated): TOPMed 0.00005; gnomAD 0.00007; ESP Exome Variant Server 0.00008.
gnomAD v4.1: 23 of 1,613,866 alleles (0.0014%); highest among the groups gnomAD compares: African/African-American, 0.027%; no homozygotes.

Submissions (2):

Ambry Genetics
Classification: Uncertain significance for Inborn genetic diseases. Last evaluated: 2023-12-16. Review status: criteria provided, single submitter. Criteria: Ambry Variant Classification Scheme 2023. Collection method: clinical testing. Allele origin: germline.

Labcorp Genetics (formerly Invitae), Labcorp
Classification: Uncertain significance. Last evaluated: 2022-08-19. Review status: criteria provided, single submitter. Criteria: Invitae Variant Classification Sherloc (09022015). Collection method: clinical testing. Allele origin: germline.
Comment: This sequence change replaces proline, which is neutral and non-polar, with leucine, which is neutral and non-polar, at codon 263 of the ADAMTSL4 protein (p.Pro263Leu). This variant is present in population databases (rs369322301, gnomAD 0.03%). This variant has not been reported in the literature in individuals affected with ADAMTSL4-related conditions. Algorithms developed to predict the effect of missense changes on protein structure and function output the following: SIFT: "Deleterious"; PolyPhen-2: "Benign"; Align-GVGD: "Class C0". The leucine amino acid residue is found in multiple mammalian species, which suggests that this missense change does not adversely affect protein function. In summary, the available evidence is currently insufficient to determine the role of this variant in disease. Therefore, it has been classified as a Variant of Uncertain Significance.

NM_019032.6(ADAMTSL4):c.788C>T (p.Pro263Leu)

Genes: ADAMTSL4 (ADAMTS like 4; plus strand), ADAMTSL4-AS2 (ADAMTSL4 antisense RNA 2; minus strand). Cytogenetic location: 1q21.2.
Variant type: single nucleotide variant.
Coding change: c.788C>T on transcript NM_019032.6 (MANE Select); coding-DNA position 788, C replaced by T.
Protein change: p.Pro263Leu; replaces proline 263 with leucine.
Molecular consequence: missense variant.
Genome position (GRCh38, 1-based): chr1:150,553,779, C>T. VCF-style: chr1-150553779-C-T. GRCh37 (hg19) VCF-style: chr1-150526255-C-T.
Other names: c.788C>T, p.Pro263Leu (NM_001288607.2, NM_001288608.2, NM_001378596.1 and 1 more transcripts); c.788C>T (NM_019032.4); short protein forms P263L.
Identifiers: ClinVar variation 1930635 (VCV001930635.3), dbSNP rs369322301, ClinGen allele CA1078038.
Genomic context (GRCh38, chr1:150,553,779, plus strand): 5'-GAACCAGGCCTGCCCCCCTACGGCATCACCCCAGAGCCCAGGCCTCTGGCACAGAGCCCC[C>T]CTCACCCACGCACTCCTTAGGAGAAGGTGGCTTCTTCCGTGCATCCCCTCAGCCACGAAG-3'
Protein context (NP_061905.2, residues 253-273): PRAQASGTEP[Pro263Leu]SPTHSLGEGG